The following is an entry in ClinVar:

NM_001267550.2(TTN):c.34812del (p.Val11605fs)

Gene: TTN (titin; minus strand). Cytogenetic location: 2q31.2.
Variant type: Deletion.
Coding change: c.34812del on transcript NM_001267550.2 (MANE Select); coding-DNA position 34812, one base deleted (A; older notation c.34812delA).
Protein change: p.Val11605fs; shifts the reading frame from valine 11605.
Molecular consequence: frameshift variant. On other transcripts: intron variant (3).
Genome position (GRCh38, 1-based): chr2:178,672,678, T deleted on the plus strand (A on the coding strand, the reverse complement: TTN is on the minus strand); the first of 5 consecutive T bases (chr2:178,672,678-178,672,682); deleting any one gives the same sequence. VCF-style (leftmost placement, unchanged base first): chr2-178672677-CT-C. GRCh37 (hg19) VCF-style: chr2-179537404-CT-C.
Other names: c.33690del, p.Val11231fs (NM_001256850.1); c.30909del, p.Val10304fs (NM_133378.4); c.13283-30361del (NM_003319.4); c.13859-30361del (NM_133437.4); c.13658-30361del (NM_133432.3); short protein forms V11605fs, V10304fs, V11231fs.
Identifiers: ClinVar variation 2066249 (VCV002066249.4), dbSNP rs2473502883, ClinGen allele CA2580065050.

ClinVar aggregate classification (germline): Likely pathogenic (1 of 4 stars; one submission).

Conditions:
Dilated cardiomyopathy 1G (CMD1G). Identifiers: Orphanet 154, MedGen C1858763, MONDO:0011400, OMIM 604145.
Autosomal recessive limb-girdle muscular dystrophy type 2J (LGMDR10). Also called: Limb-girdle muscular dystrophy, type 2J; MUSCULAR DYSTROPHY, LIMB-GIRDLE, AUTOSOMAL RECESSIVE 10. Identifiers: Orphanet 140922, MedGen C1837342, MONDO:0012127, OMIM 608807.

Submission:

Labcorp Genetics (formerly Invitae), Labcorp
Classification: Likely pathogenic for Dilated cardiomyopathy 1G; Autosomal recessive limb-girdle muscular dystrophy type 2J. Last evaluated: 2024-10-18. Review status: criteria provided, single submitter. Criteria: Invitae Variant Classification Sherloc (09022015). Collection method: clinical testing. Allele origin: germline.
Comment: This sequence change creates a premature translational stop signal (p.Val11605Tyrfs*56) in the TTN gene. While this is not anticipated to result in nonsense mediated decay, it is expected to create a truncated TTN protein. This variant is not present in population databases (gnomAD no frequency). This variant has not been reported in the literature in individuals affected with TTN-related conditions. ClinVar contains an entry for this variant (Variation ID: 2066249). This variant is located in the I band of TTN (PMID: 25589632). Truncating variants in this region have been reported in individuals affected with autosomal recessive centronuclear myopathy (PMID: 23975875, internal data). Truncating variants in this region have also been identified in individuals affected with autosomal dominant dilated cardiomyopathy and/or cardio-related conditions (PMID: 27869827, 32964742, internal data). In summary, the currently available evidence indicates that the variant is pathogenic, but additional data are needed to prove that conclusively. Therefore, this variant has been classified as Likely Pathogenic.

Literature cited by the submitters: PubMed 25589632; PubMed 23975875; PubMed 27869827; PubMed 32964742.